The following is an entry in ClinVar:

NM_006031.6(PCNT):c.8749C>G (p.Leu2917Val)

Gene: PCNT (pericentrin; plus strand). Cytogenetic location: 21q22.3.
Variant type: single nucleotide variant.
Coding change: c.8749C>G on transcript NM_006031.6 (MANE Select); coding-DNA position 8749, C replaced by G.
Protein change: p.Leu2917Val; replaces leucine 2917 with valine.
Molecular consequence: missense variant. On other transcripts: intron variant (1).
Genome position (GRCh38, 1-based): chr21:46,432,213, C>G. VCF-style: chr21-46432213-C-G. GRCh37 (hg19) VCF-style: chr21-47852127-C-G.
Other names: c.8160+235C>G (NM_001315529.2); short protein forms L2917V.
Identifiers: ClinVar variation 3766677 (VCV003766677.1).

ClinVar aggregate classification (germline): Uncertain significance (1 of 4 stars; one submission).

Conditions:
Microcephalic osteodysplastic primordial dwarfism type II (MOPD2). Also called: MOPD II; OSTEODYSPLASTIC PRIMORDIAL DWARFISM, TYPE II; Microcephalic osteodysplastic primordial dwarfism with tooth abnormalities. Identifiers: Orphanet 2637, MedGen C0432246, MONDO:0008872, OMIM 210720.

Submission:

ARUP Laboratories, Molecular Genetics and Genomics, ARUP Laboratories
Classification: Uncertain significance for Microcephalic osteodysplastic primordial dwarfism type II. Last evaluated: 2024-06-21. Review status: criteria provided, single submitter. Criteria: ARUP Molecular Germline Variant Investigation Process 2024. Collection method: clinical testing. Allele origin: germline.
Comment: The PCNT c.8749C>G; p.Leu2917Val variant, to our knowledge, is not reported in the medical literature or gene specific databases. This variant is also absent from the Genome Aggregation Database (v2.1.1), indicating it is not a common polymorphism. Computational analyses are conflicted in their predictions: one analysis predicts that this variant is neutral (REVEL: 0.079), while a second (Alamut Visual Plus v.1.5.1) predicts that this variant may impact splicing by weakening the nearby canonical donor splice site. Due to conflicting information and lack of clinical and functional data, the clinical significance of this variant is uncertain at this time.